The following is an entry in ClinVar:

ClinVar aggregate classification (germline): Uncertain significance (1 of 4 stars; one submission).

Conditions:
Ichthyosis prematurity syndrome (IPS). Also called: ICHTHYOSIS CONGENITA IV. Identifiers: Orphanet 88621, MedGen C1837610, MONDO:0012089, OMIM 608649.

gnomAD v4.1: 5 of 1,610,542 alleles (0.00031%); highest among the groups gnomAD compares: South Asian, 0.0011%; no homozygotes.

Submission:

3billion
Classification: Uncertain significance for Ichthyosis prematurity syndrome. Last evaluated: 2025-10-29. Review status: criteria provided, single submitter. Criteria: ACMG Guidelines, 2015. Collection method: clinical testing. Allele origin: germline. Affected: yes.
Comment: The variant is observed at an extremely low frequency in the gnomAD v4.1.0 dataset (total allele frequency: <0.001%). Predicted Consequence/Location: Missense variant Damaging effect on gene or gene product predicted by in silico programs is uncertain [REVEL: 0.57 (damaging >=0.6, benign <0.4), 3Cnet: 0.23 (damaging >0.75, benign <0.1)]. Therefore, this variant is classified as VUS according to the recommendation of ACMG/AMP guideline.

NM_005094.4(SLC27A4):c.1633G>A (p.Glu545Lys)

Gene: SLC27A4 (solute carrier family 27 member 4; plus strand). Cytogenetic location: 9q34.11.
Variant type: single nucleotide variant.
Coding change: c.1633G>A on transcript NM_005094.4 (MANE Select); coding-DNA position 1633, G replaced by A.
Protein change: p.Glu545Lys; replaces glutamic acid 545 with lysine.
Molecular consequence: missense variant.
Genome position (GRCh38, 1-based): chr9:128,355,655, G>A. VCF-style: chr9-128355655-G-A. GRCh37 (hg19) VCF-style: chr9-131117934-G-A.
Other names: short protein forms E545K.
Identifiers: ClinVar variation 4854282 (VCV004854282.1).